The following is an entry in ClinVar:

ClinVar aggregate classification (germline): Uncertain significance. Review status: criteria provided, multiple submitters, no conflicts (2 of 4 stars). 2 submissions from 2 submitters: Uncertain significance (2). Last evaluated 2022-03-13.

Conditions:
Cardiovascular phenotype. Identifiers: MedGen CN230736.
Hereditary cancer-predisposing syndrome. Also called: Hereditary neoplastic syndrome; Neoplastic Syndromes, Hereditary; Tumor predisposition; Hereditary Cancer Syndrome. Identifiers: Orphanet 140162, MedGen C0027672, MeSH D009386, MONDO:0015356.
Juvenile myelomonocytic leukemia (JMML). Also called: LEUKEMIA, JUVENILE MYELOMONOCYTIC, SOMATIC. Identifiers: Orphanet 86834, MedGen C0349639, MONDO:0011908, OMIM 607785, HP:0012209.
Neurofibromatosis-Noonan syndrome (NFNS). Also called: NEUROFIBROMATOSIS WITH NOONAN PHENOTYPE. Identifiers: Orphanet 638, MedGen C2931482, MONDO:0011035, OMIM 601321. Disease mechanism: loss of function.
Neurofibromatosis, familial spinal (FSNF). Identifiers: Orphanet 636, MedGen C1834235, MONDO:0008078, OMIM 162210. Disease mechanism: loss of function.
Neurofibromatosis, type 1 (NF1). Also called: VON RECKLINGHAUSEN DISEASE; Peripheral type neurofibromatosis; NEUROFIBROMATOSIS, TYPE I, SOMATIC; Neurofibromatosis, type I. Identifiers: Orphanet 636, MedGen C0027831, MONDO:0018975, OMIM 162200. Disease mechanism: loss of function.
Café-au-lait macules with pulmonary stenosis (WTSN). Also called: PULMONIC STENOSIS WITH CAFE-AU-LAIT SPOTS. Identifiers: MedGen C0553586, MONDO:0008672, OMIM 193520.

Submissions (2):

Fulgent Genetics
Classification: Uncertain significance for Neurofibromatosis, type 1; Neurofibromatosis, familial spinal; Café-au-lait macules with pulmonary stenosis; Neurofibromatosis-Noonan syndrome; Juvenile myelomonocytic leukemia. Last evaluated: 2022-03-13. Review status: criteria provided, single submitter. Criteria: ACMG Guidelines, 2015. Collection method: clinical testing. Allele origin: unknown.

Ambry Genetics
Classification: Uncertain significance for Cardiovascular phenotype; Hereditary cancer-predisposing syndrome. Last evaluated: 2019-08-19. Review status: criteria provided, single submitter. Criteria: Ambry Variant Classification Scheme 2023. Collection method: clinical testing. Allele origin: germline.
Comment: The p.H2569Q variant (also known as c.7707C>A), located in coding exon 52 of the NF1 gene, results from a C to A substitution at nucleotide position 7707. The histidine at codon 2569 is replaced by glutamine, an amino acid with highly similar properties. This amino acid position is highly conserved in available vertebrate species. In addition, this alteration is predicted to be tolerated by in silico analysis. Since supporting evidence is limited at this time, the clinical significance of this alteration remains unclear.

NM_001042492.3(NF1):c.7770C>A (p.His2590Gln)

Gene: NF1 (neurofibromin 1; plus strand). Cytogenetic location: 17q11.2.
Variant type: single nucleotide variant.
Coding change: c.7770C>A on transcript NM_001042492.3 (MANE Select); coding-DNA position 7770, C replaced by A.
Protein change: p.His2590Gln; replaces histidine 2590 with glutamine.
Molecular consequence: missense variant.
Genome position (GRCh38, 1-based): chr17:31,356,991, C>A. VCF-style: chr17-31356991-C-A. GRCh37 (hg19) VCF-style: chr17-29684009-C-A.
Other names: c.7707C>A, p.His2569Gln (NM_000267.4); short protein forms H2590Q, H2569Q.
Identifiers: ClinVar variation 480177 (VCV000480177.6), dbSNP rs1060503906, ClinGen allele CA399018408.